The following is an entry in ClinVar:

ClinVar aggregate classification (germline): Likely pathogenic. Review status: criteria provided, multiple submitters, no conflicts (2 of 4 stars). 2 submissions from 2 submitters: Likely pathogenic (2). Last evaluated 2023-12-18.

Conditions:
Immunodeficiency 106, susceptibility to viral infections (IMD106). Also called: IFNAR1 DEFICIENCY. Identifiers: MedGen C5677009, MONDO:0030970, OMIM 619935.

Allele frequency attached by ClinVar (database versions not stated): gnomAD exomes below 0.00001.
gnomAD v4.1: 4 of 1,605,074 alleles (0.00025%); highest among the groups gnomAD compares: Non-Finnish European, 0.00034%; no homozygotes.

Submissions (2):

Labcorp Genetics (formerly Invitae), Labcorp
Classification: Likely pathogenic. Last evaluated: 2023-12-18. Review status: criteria provided, single submitter. Criteria: Invitae Variant Classification Sherloc (09022015). Collection method: clinical testing. Allele origin: germline.
Comment: This sequence change affects an acceptor splice site in intron 3 of the IFNAR1 gene. It is expected to disrupt RNA splicing. Variants that disrupt the donor or acceptor splice site typically lead to a loss of protein function (PMID: 16199547), and loss-of-function variants in IFNAR1 are known to be pathogenic (PMID: 31270247, 32960813). This variant is not present in population databases (gnomAD no frequency). This variant has not been reported in the literature in individuals affected with IFNAR1-related conditions. ClinVar contains an entry for this variant (Variation ID: 1498680). Algorithms developed to predict the effect of sequence changes on RNA splicing suggest that this variant may disrupt the consensus splice site. In summary, the currently available evidence indicates that the variant is pathogenic, but additional data are needed to prove that conclusively. Therefore, this variant has been classified as Likely Pathogenic.

Department of Pathology and Laboratory Medicine, Sinai Health System
Classification: Likely pathogenic for immunodeficiency 106, susceptibility to viral infections. Last evaluated: 2023-04-19. Review status: criteria provided, single submitter. Criteria: ACMG Guidelines, 2015. Collection method: research. Allele origin: germline.

Literature cited by the submitters: PubMed 16199547 (cited by Labcorp Genetics (formerly Invitae), Labcorp); PubMed 31270247 (cited by Labcorp Genetics (formerly Invitae), Labcorp); PubMed 32960813 (cited by Labcorp Genetics (formerly Invitae), Labcorp).

NM_000629.3(IFNAR1):c.377-2A>G

Gene: IFNAR1 (interferon alpha and beta receptor subunit 1; plus strand). Cytogenetic location: 21q22.11.
Variant type: single nucleotide variant.
Coding change: c.377-2A>G on transcript NM_000629.3 (MANE Select); the canonical splice acceptor site of the intron before coding-DNA position 377, A replaced by G.
Molecular consequence: splice acceptor variant.
Genome position (GRCh38, 1-based): chr21:33,343,266, A>G. VCF-style: chr21-33343266-A-G. GRCh37 (hg19) VCF-style: chr21-34715572-A-G.
Other names: c.170-2A>G (NM_001384504.1); c.-410-2A>G (NM_001384500.1); c.377-2A>G (NM_001384498.1, NM_001384503.1, NM_001384499.1 and 1 more transcripts); c.-86-2A>G (NM_001384502.1).
Identifiers: ClinVar variation 1498680 (VCV001498680.7), dbSNP rs965885404, ClinGen allele CA320144989.